The following is an entry in ClinVar:

NM_031229.4(RBCK1):c.326G>A (p.Arg109Gln)

Gene: RBCK1 (RANBP2-type and C3HC4-type zinc finger containing 1; plus strand). Cytogenetic location: 20p13.
Variant type: single nucleotide variant.
Coding change: c.326G>A on transcript NM_031229.4 (MANE Select); coding-DNA position 326, G replaced by A.
Protein change: p.Arg109Gln; replaces arginine 109 with glutamine.
Molecular consequence: missense variant. On other transcripts: 5 prime UTR variant (2), non-coding transcript variant (1).
Genome position (GRCh38, 1-based): chr20:417,796, G>A. VCF-style: chr20-417796-G-A. GRCh37 (hg19) VCF-style: chr20-398440-G-A.
Other names: c.-24G>A (NM_001323956.2, NM_001323958.2); c.200G>A, p.Arg67Gln (NM_006462.6); short protein forms R109Q, R67Q.
Identifiers: ClinVar variation 1058579 (VCV001058579.7), dbSNP rs568820415, ClinGen allele CA9723047.

ClinVar aggregate classification (germline): Uncertain significance. Review status: criteria provided, multiple submitters, no conflicts (2 of 4 stars). 2 submissions from 2 submitters: Uncertain significance (2). Last evaluated 2023-08-10.

Conditions:
Polyglucosan body myopathy type 1 (PGBM1). Also called: Polyglucosan body myopathy 1 with or without immunodeficiency; POLYGLUCOSAN BODY MYOPATHY WITHOUT IMMUNODEFICIENCY. Identifiers: Orphanet 329173, Orphanet 397937, MedGen C4014605, MONDO:0014389, OMIM 615895.

Allele frequency attached by ClinVar (database versions not stated): ExAC 0.00002; gnomAD 0.00003; gnomAD exomes 0.00003 and 0.00006; TOPMed 0.00003.

Submissions (2):

Blueprint Genetics
Classification: Uncertain significance. Last evaluated: 2023-08-10. Review status: criteria provided, single submitter. Criteria: ACMG Guidelines, 2015. Collection method: clinical testing. Allele origin: germline.

Labcorp Genetics (formerly Invitae), Labcorp
Classification: Uncertain significance for Polyglucosan body myopathy type 1. Last evaluated: 2022-02-11. Review status: criteria provided, single submitter. Criteria: Invitae Variant Classification Sherloc (09022015). Collection method: clinical testing. Allele origin: germline.
Comment: This sequence change replaces arginine, which is basic and polar, with glutamine, which is neutral and polar, at codon 109 of the RBCK1 protein (p.Arg109Gln). This variant is present in population databases (rs568820415, gnomAD 0.01%). This variant has not been reported in the literature in individuals affected with RBCK1-related conditions. ClinVar contains an entry for this variant (Variation ID: 1058579). Algorithms developed to predict the effect of missense changes on protein structure and function are either unavailable or do not agree on the potential impact of this missense change (SIFT: "Not Available"; PolyPhen-2: "Benign"; Align-GVGD: "Not Available"). In summary, the available evidence is currently insufficient to determine the role of this variant in disease. Therefore, it has been classified as a Variant of Uncertain Significance.